The following is an entry in ClinVar:

ClinVar aggregate classification (germline): Benign. Review status: criteria provided, multiple submitters, no conflicts (2 of 4 stars). 3 submissions from 2 submitters: Benign (3). Last evaluated 2025-12-23.

Conditions:
Charcot-Marie-Tooth disease axonal type 2F (CMT2F). Also called: CHARCOT-MARIE-TOOTH DISEASE, NEURONAL, TYPE 2F; Charcot-Marie-Tooth Neuropathy Type 2F. Identifiers: Orphanet 99940, MedGen C1847823, MONDO:0011687, OMIM 606595.
Neuronopathy, distal hereditary motor, type 2B. Also called: NEURONOPATHY, DISTAL HEREDITARY MOTOR, AUTOSOMAL DOMINANT 3; NEURONOPATHY, DISTAL HEREDITARY MOTOR, HARDING TYPE IIB; NEUROPATHY, DISTAL HEREDITARY MOTOR, HARDING TYPE IIB; HMN IIB. Identifiers: Orphanet 139525, MedGen C2608087, MONDO:0012080, OMIM 608634.

Allele frequency attached by ClinVar (database versions not stated): gnomAD 0.00007 and 0.00012; TOPMed 0.00010; gnomAD exomes 0.00022 and 0.00038; ExAC 0.00041; 1000 Genomes Project 30x 0.00047; 1000 Genomes Project 0.00060.

Submissions (3):

Labcorp Genetics (formerly Invitae), Labcorp
Classification: Benign for Charcot-Marie-Tooth disease axonal type 2F. Last evaluated: 2025-12-23. Review status: criteria provided, single submitter. Criteria: Invitae Variant Classification Sherloc (09022015). Collection method: clinical testing. Allele origin: germline.

Illumina Laboratory Services, Illumina
Classification: Benign for Charcot-Marie-Tooth disease axonal type 2F. Last evaluated: 2018-01-12. Review status: criteria provided, single submitter. Criteria: ICSL Variant Classification Criteria 13 December 2019. Collection method: clinical testing. Allele origin: germline.
Comment: This variant was observed in the ICSL laboratory as part of a predisposition screen in an ostensibly healthy population. It had not been previously curated by ICSL or reported in the Human Gene Mutation Database (HGMD: prior to June 1st, 2018), and was therefore a candidate for classification through an automated scoring system. Utilizing variant allele frequency, disease prevalence and penetrance estimates, and inheritance mode, an automated score was calculated to assess if this variant is too frequent to cause the disease. Based on the score and internal cut-off values, a variant classified as benign is not then subjected to further curation. The score for this variant resulted in a classification of benign for this disease.

Illumina Laboratory Services, Illumina
Classification: Benign for Neuronopathy, distal hereditary motor, type 2B. Last evaluated: 2018-01-12. Review status: criteria provided, single submitter. Criteria: ICSL Variant Classification Criteria 13 December 2019. Collection method: clinical testing. Allele origin: germline.
Comment: the same text as in the submission from Illumina Laboratory Services, Illumina above.

NM_001540.5(HSPB1):c.399C>T (p.Tyr133=)

Gene: HSPB1 (heat shock protein family B (small) member 1; plus strand). Cytogenetic location: 7q11.23.
Variant type: single nucleotide variant.
Coding change: c.399C>T on transcript NM_001540.5 (MANE Select); coding-DNA position 399, C replaced by T.
Protein change: p.Tyr133=; no amino-acid change (tyrosine 133 retained).
Molecular consequence: synonymous variant.
Genome position (GRCh38, 1-based): chr7:76,303,836, C>T. VCF-style: chr7-76303836-C-T. GRCh37 (hg19) VCF-style: chr7-75933153-C-T.
Identifiers: ClinVar variation 911820 (VCV000911820.12), dbSNP rs140791936, ClinGen allele CA4306376.